The following is an entry in ClinVar:

ClinVar aggregate classification (germline): Uncertain significance (1 of 4 stars; one submission).

Submission:

Labcorp Genetics (formerly Invitae), Labcorp
Classification: Uncertain significance. Last evaluated: 2025-06-14. Review status: criteria provided, single submitter. Criteria: Invitae Variant Classification Sherloc (09022015). Collection method: clinical testing. Allele origin: germline.
Comment: This sequence change creates a premature translational stop signal (p.Arg548Thrfs*24) in the TOP2B gene. It is expected to result in an absent or disrupted protein product. However, the current clinical and genetic evidence is not sufficient to establish whether loss-of-function variants in TOP2B cause disease. This variant is present in population databases (rs762081494, gnomAD 0.0009%). This variant has not been reported in the literature in individuals affected with TOP2B-related conditions. In summary, the available evidence is currently insufficient to determine the role of this variant in disease. Therefore, it has been classified as a Variant of Uncertain Significance.

NM_001330700.2(TOP2B):c.1656dup (p.Arg553fs)

Gene: TOP2B (DNA topoisomerase II beta; minus strand). Cytogenetic location: 3p24.2.
Variant type: Duplication.
Coding change: c.1656dup on transcript NM_001330700.2 (MANE Select); coding-DNA position 1656, one base duplicated (A; older notation c.1656dupA).
Protein change: p.Arg553fs; shifts the reading frame from arginine 553.
Molecular consequence: frameshift variant.
Genome position (GRCh38, 1-based): chr3:25,630,062, T duplicated on the plus strand (A on the coding strand, the reverse complement: TOP2B is on the minus strand). VCF-style (leftmost placement, unchanged base first): chr3-25630061-G-GT. GRCh37 (hg19) VCF-style: chr3-25671552-G-GT.
Other names: c.1641dup, p.Arg548fs (NM_001068.3); short protein forms R548fs, R553fs.
Identifiers: ClinVar variation 4768968 (VCV004768968.1).
Genomic context (GRCh38, chr3:25,630,061, plus strand): 5'-TGAAATATGTGGTAACTTTAAAACCAACCTGATCGGTCATAATCATAATCTTTCCATAGC[G>GT]TAAGGTTTTCAGAGATTCTGCATCATCGTAACTTTTCTTATATTGTAGACCAACTATTTT-3'